The following is an entry in ClinVar:

NM_203446.3(SYNJ1):c.3224C>A (p.Thr1075Asn)

Gene: SYNJ1 (synaptojanin 1; minus strand). Cytogenetic location: 21q22.11.
Variant type: single nucleotide variant.
Coding change: c.3224C>A on transcript NM_203446.3 (MANE Select); coding-DNA position 3224, C replaced by A.
Protein change: p.Thr1075Asn; replaces threonine 1075 with asparagine.
Molecular consequence: missense variant.
Genome position (GRCh38, 1-based): chr21:32,646,416, G>T on the plus strand (C>A on the coding strand, the complement: SYNJ1 is on the minus strand). VCF-style: chr21-32646416-G-T. GRCh37 (hg19) VCF-style: chr21-34018726-G-T.
Other names: c.3224C>A, p.Thr1075Asn (NM_001160302.2); c.3209C>A, p.Thr1070Asn (NM_001160306.2); c.3341C>A, p.Thr1114Asn (NM_003895.4); short protein forms T1070N, T1075N, T1114N.
Identifiers: ClinVar variation 3391622 (VCV003391622.1).

ClinVar aggregate classification (germline): Uncertain significance (1 of 4 stars; one submission).

Submission:

GeneDx
Classification: Uncertain significance. Last evaluated: 2024-06-17. Review status: criteria provided, single submitter. Criteria: GeneDx Variant Classification Process June 2021. Collection method: clinical testing. Allele origin: germline. Affected: yes.
Comment: Not observed at significant frequency in large population cohorts (gnomAD); In silico analysis indicates that this missense variant does not alter protein structure/function; Has not been previously published as pathogenic or benign to our knowledge